The following is an entry in ClinVar:

ClinVar aggregate classification (germline): Uncertain significance. Review status: criteria provided, multiple submitters, no conflicts (2 of 4 stars). 3 submissions from 3 submitters: Uncertain significance (3). Last evaluated 2024-05-29.

Conditions:
Familial hypokalemia-hypomagnesemia (GTLMNS). Also called: gitelman syndrome; HYPOMAGNESEMIA-HYPOKALEMIA, PRIMARY RENOTUBULAR, WITH HYPOCALCIURIA; POTASSIUM AND MAGNESIUM DEPLETION. Identifiers: Orphanet 358, MedGen C0268450, MONDO:0009904, OMIM 263800.

Allele frequency attached by ClinVar (database versions not stated): ExAC 0.00004; 1000 Genomes Project 30x 0.00016.
gnomAD v4.1: 109 of 1,611,668 alleles (0.0068%); highest among the groups gnomAD compares: Admixed American, 0.02%; no homozygotes.

Submissions (3):

Blueprint Genetics
Classification: Uncertain significance. Last evaluated: 2024-05-29. Review status: criteria provided, single submitter. Criteria: ACMG Guidelines, 2015. Collection method: clinical testing. Allele origin: germline.

Fulgent Genetics
Classification: Uncertain significance for Familial hypokalemia-hypomagnesemia. Last evaluated: 2023-12-29. Review status: criteria provided, single submitter. Criteria: ACMG Guidelines, 2015. Collection method: clinical testing. Allele origin: germline.

Labcorp Genetics (formerly Invitae), Labcorp
Classification: Uncertain significance. Last evaluated: 2022-04-30. Review status: criteria provided, single submitter. Criteria: Invitae Variant Classification Sherloc (09022015). Collection method: clinical testing. Allele origin: germline.
Comment: This sequence change affects codon 169 of the SLC12A3 mRNA. It is a 'silent' change, meaning that it does not change the encoded amino acid sequence of the SLC12A3 protein. This variant also falls at the last nucleotide of exon 3, which is part of the consensus splice site for this exon. This variant is present in population databases (rs201650578, gnomAD 0.02%). This variant has been observed in individual(s) with Gitelman syndrome (PMID: 26121437). Algorithms developed to predict the effect of missense changes on protein structure and function (SIFT, PolyPhen-2, Align-GVGD) all suggest that this variant is likely to be tolerated. Variants that disrupt the consensus splice site are a relatively common cause of aberrant splicing (PMID: 17576681, 9536098). Algorithms developed to predict the effect of sequence changes on RNA splicing suggest that this variant may disrupt the consensus splice site. In summary, the available evidence is currently insufficient to determine the role of this variant in disease. Therefore, it has been classified as a Variant of Uncertain Significance.

Literature cited by the submitters: PubMed 26121437 (cited by Labcorp Genetics (formerly Invitae), Labcorp); PubMed 17576681 (cited by Labcorp Genetics (formerly Invitae), Labcorp); PubMed 9536098 (cited by Labcorp Genetics (formerly Invitae), Labcorp).

NM_001126108.2(SLC12A3):c.505G>A (p.Val169Ile)

Gene: SLC12A3 (solute carrier family 12 member 3; plus strand). Cytogenetic location: 16q13.
Variant type: single nucleotide variant.
Coding change: c.505G>A on transcript NM_001126108.2 (MANE Select); coding-DNA position 505, G replaced by A.
Protein change: p.Val169Ile; replaces valine 169 with isoleucine.
Molecular consequence: missense variant.
Genome position (GRCh38, 1-based): chr16:56,868,372, G>A. VCF-style: chr16-56868372-G-A. GRCh37 (hg19) VCF-style: chr16-56902284-G-A.
Other names: c.505G>A, p.Val169Ile (NM_000339.3); c.502G>A, p.Val168Ile (NM_001126107.2, NM_001410896.1); short protein forms V168I, V169I.
Identifiers: ClinVar variation 2063650 (VCV002063650.3), dbSNP rs201650578, ClinGen allele CA8069060.
Genomic context (GRCh38, chr16:56,868,372, plus strand): 5'-AACATTTGGGGCGTGATCCTCTACCTGCGGCTGCCCTGGATTACGGCCCAGGCAGGCATC[G>A]GTGAGTGCCCCTCTGGGGAAGAGGAGGGAGGGCTTGCCTGAATCCCATTCTTCCCAGCTT-3'
Protein context (NP_001119580.2, residues 159-179): LPWITAQAGI[Val169Ile]LTWIIILLSV